The following is an entry in ClinVar:

NM_000027.4(AGA):c.859del (p.Gln287fs)

Gene: AGA (aspartylglucosaminidase; minus strand). Cytogenetic location: 4q34.3.
Variant type: Deletion.
Coding change: c.859del on transcript NM_000027.4 (MANE Select); coding-DNA position 859, one base deleted (C; older notation c.859delC).
Protein change: p.Gln287fs; shifts the reading frame from glutamine 287.
Molecular consequence: frameshift variant. On other transcripts: non-coding transcript variant (1).
Genome position (GRCh38, 1-based): chr4:177,433,295, G deleted on the plus strand (C on the coding strand, the reverse complement: AGA is on the minus strand); the first of 2 consecutive G bases (chr4:177,433,295-177,433,296); deleting either gives the same sequence. VCF-style (leftmost placement, unchanged base first): chr4-177433294-TG-T. GRCh37 (hg19) VCF-style: chr4-178354448-TG-T.
Other names: c.829del, p.Gln277fs (NM_001171988.2); short protein forms Q277fs, Q287fs.
Identifiers: ClinVar variation 5004748 (VCV005004748.1).

ClinVar aggregate classification (germline): Pathogenic (1 of 4 stars; one submission).

Conditions:
Aspartylglucosaminuria (AGU). Also called: AGA DEFICIENCY; GLYCOASPARAGINASE; GLYCOSYLASPARAGINASE DEFICIENCY; Aspartylglucos-aminuria; Aspartylglucos-amidase (AGA) deficiency. Identifiers: Orphanet 93, MedGen C0268225, MONDO:0008830, OMIM 208400, HP:0012068.

Submission:

Myriad Genetics, Inc.
Classification: Pathogenic for Aspartylglucosaminuria. Last evaluated: 2026-06-23. Review status: criteria provided, single submitter. Criteria: Myriad Autosomal Dominant, Autosomal Recessive and X-Linked Classification Criteria (2023). Collection method: clinical testing. Allele origin: unknown.
Comment: NM_000027.3(AGA):c.859delC(Q287Kfs*3) is a frameshift variant classified as pathogenic in the context of aspartylglucosaminuria. Q287Kfs*3 has not been observed in cases with relevant disease. Relevant functional assessments of this variant are not available in the literature. Q287Kfs*3 has not been observed in referenced population frequency databases. In summary, NM_000027.3(AGA):c.859delC(Q287Kfs*3) is a frameshift variant in a gene where loss of function is a known mechanism of disease and is predicted to disrupt protein function. Please note: this variant was assessed in the context of healthy population screening.